The following is an entry in ClinVar:

NM_001142800.2(EYS):c.3789dup (p.Pro1264fs)

Gene: EYS (EGF-like photoreceptor maintenance factor; minus strand). Cytogenetic location: 6q12.
Variant type: Duplication.
Coding change: c.3789dup on transcript NM_001142800.2 (MANE Select); coding-DNA position 3789, one base duplicated (T; older notation c.3789dupT).
Protein change: p.Pro1264fs; shifts the reading frame from proline 1264.
Molecular consequence: frameshift variant.
Genome position (GRCh38, 1-based): chr6:64,593,205, A duplicated on the plus strand (T on the coding strand, the reverse complement: EYS is on the minus strand); the first of 2 consecutive A bases (chr6:64,593,205-64,593,206); duplicating either gives the same sequence. VCF-style (leftmost placement, unchanged base first): chr6-64593204-G-GA. GRCh37 (hg19) VCF-style: chr6-65303097-G-GA.
Other names: c.3789dup, p.Pro1264fs (NM_001292009.2); short protein forms P1264fs.
Identifiers: ClinVar variation 2094209 (VCV002094209.5), dbSNP rs2533158709, ClinGen allele CA2580075925.
Genomic context (GRCh38, chr6:64,593,204, plus strand): 5'-TGGCTGGTATTCTAGTAGCCTTTATAGATGGAAAGCTGCTGACCAAAGTCTCAGAAGGGG[G>GA]AATTGTATATGTCTGTGTGGAAATGGGATCTGTTCTTTGAAAGATGGGAGTTAAACAGGT-3'

ClinVar aggregate classification (germline): Pathogenic/Likely pathogenic. Review status: criteria provided, multiple submitters, no conflicts (2 of 4 stars). 2 submissions from 2 submitters: Pathogenic (1); Likely pathogenic (1). Last evaluated 2023-06-04.

Conditions:
Retinitis pigmentosa 25 (RP25). Identifiers: Orphanet 791, MedGen C1864446, MONDO:0011272, OMIM 602772.

Submissions (2):

Baylor Genetics
Classification: Likely pathogenic for Retinitis pigmentosa 25. Last evaluated: 2023-06-04. Review status: criteria provided, single submitter. Criteria: ACMG Guidelines, 2015. Collection method: clinical testing. Allele origin: unknown.

Labcorp Genetics (formerly Invitae), Labcorp
Classification: Pathogenic. Last evaluated: 2022-02-06. Review status: criteria provided, single submitter. Criteria: Invitae Variant Classification Sherloc (09022015). Collection method: clinical testing. Allele origin: germline.
Comment: For these reasons, this variant has been classified as Pathogenic. This variant has not been reported in the literature in individuals affected with EYS-related conditions. This variant is not present in population databases (gnomAD no frequency). This sequence change creates a premature translational stop signal (p.Pro1264Serfs*4) in the EYS gene. It is expected to result in an absent or disrupted protein product. Loss-of-function variants in EYS are known to be pathogenic (PMID: 18836446, 20333770).

Literature cited by the submitters: PubMed 18836446 (cited by Labcorp Genetics (formerly Invitae), Labcorp); PubMed 20333770 (cited by Labcorp Genetics (formerly Invitae), Labcorp).